The following is an entry in ClinVar:

NM_014921.5(ADGRL1):c.395-3610G>A

Genes: ADGRL1 (adhesion G protein-coupled receptor L1; minus strand), ADGRL1-AS1 (ADGRL1 antisense RNA 1; plus strand). Cytogenetic location: 19p13.12.
Variant type: single nucleotide variant.
Coding change: c.395-3610G>A on transcript NM_014921.5 (MANE Select); 3610 bases into the intron before coding-DNA position 395, G replaced by A.
Molecular consequence: intron variant. On other transcripts: missense variant (1).
Genome position (GRCh38, 1-based): chr19:14,167,016, C>T on the plus strand (G>A on the coding strand, the complement: ADGRL1 is on the minus strand). VCF-style: chr19-14167016-C-T. GRCh37 (hg19) VCF-style: chr19-14277828-C-T.
Other names: c.409G>A, p.Val137Ile (NM_001008701.3); short protein forms V137I.
Identifiers: ClinVar variation 4891192 (VCV004891192.1).
Genomic context (GRCh38, chr19:14,167,016, plus strand): 5'-GTATGGTACAGGTAGAACAAAGTGTGAGTTAGGGGTTAGCATTGGTAACAGTGCGTTTAC[C>T]TTTCTGCTCCACTTCTACTTTAAGCATCGGAAGAGAGAGAGAAAACAAATTGAAAAAAAA-3'

ClinVar aggregate classification (germline): Uncertain significance (1 of 4 stars; one submission).

Submission:

Greenwood Genetic Center Diagnostic Laboratories, Greenwood Genetic Center
Classification: Uncertain significance. Last evaluated: 2026-06-26. Review status: criteria provided, single submitter. Criteria: ACMG Guidelines, 2015. Collection method: clinical testing. Allele origin: germline.
Comment: PM2, PP2, BP4